The following is an entry in ClinVar:

NM_005751.5(AKAP9):c.5035C>T (p.Arg1679Cys)

Genes: AKAP9 (A-kinase anchoring protein 9; plus strand), LOC121175350 (Sharpr-MPRA regulatory region 2641; plus strand). Cytogenetic location: 7q21.2.
Variant type: single nucleotide variant.
Coding change: c.5035C>T on transcript NM_005751.5 (MANE Select); coding-DNA position 5035, C replaced by T.
Protein change: p.Arg1679Cys; replaces arginine 1679 with cysteine.
Molecular consequence: missense variant.
Genome position (GRCh38, 1-based): chr7:92,042,163, C>T. VCF-style: chr7-92042163-C-T. GRCh37 (hg19) VCF-style: chr7-91671477-C-T.
Other names: c.5035C>T, p.Arg1679Cys (NM_147185.3); short protein forms R1679C.
Identifiers: ClinVar variation 639119 (VCV000639119.18), dbSNP rs200044616, ClinGen allele CA4336712.
Genomic context (GRCh38, chr7:92,042,163, plus strand): 5'-GAGCTGGAAGCACTAAAGCAGCTGTCTTTAGCTGGAAGAGAGAAGCTGTGTTGTGAGCTG[C>T]GCAACAGCAGTACGCAAACACAGGTAGTATGGACTTTGCCCCACCTAGGAGCAATGGATC-3'
Protein context (NP_005742.4, residues 1669-1689): AGREKLCCEL[Arg1679Cys]NSSTQTQNGN

ClinVar aggregate classification (germline): Uncertain significance. Review status: criteria provided, multiple submitters, no conflicts (2 of 4 stars). 6 submissions from 6 submitters: Uncertain significance (4). 2 of the submissions do not count toward it. Last evaluated 2025-12-28.

Conditions:
Cardiovascular phenotype. Identifiers: MedGen CN230736.
Long QT syndrome (LQTS). Identifiers: MedGen C0023976, MeSH D008133, MONDO:0002442. Disease mechanism: loss of function. Inheritance: Various modes of inheritance.
Long QT syndrome 11 (LQT11). Identifiers: Orphanet 101016, Orphanet 768, MedGen C2678483, MONDO:0012738, OMIM 611820.

Allele frequency attached by ClinVar (database versions not stated): ExAC 0.00003; gnomAD exomes 0.00003 and 0.00004; TOPMed 0.00008; gnomAD 0.00010; ESP Exome Variant Server 0.00023.
gnomAD v4.1: 58 of 1,613,836 alleles (0.0036%); highest among the groups gnomAD compares: African/African-American, 0.0067%; no homozygotes.

Submissions (6):

Labcorp Genetics (formerly Invitae), Labcorp
Classification: Uncertain significance for Long QT syndrome. Last evaluated: 2025-12-28. Review status: criteria provided, single submitter. Criteria: Invitae Variant Classification Sherloc (09022015). Collection method: clinical testing. Allele origin: germline.
Comment: This sequence change replaces arginine, which is basic and polar, with cysteine, which is neutral and slightly polar, at codon 1679 of the AKAP9 protein (p.Arg1679Cys). This variant is present in population databases (rs200044616, gnomAD 0.008%). This variant has not been reported in the literature in individuals affected with AKAP9-related conditions. ClinVar contains an entry for this variant (Variation ID: 639119). An algorithm developed to predict the effect of missense changes on protein structure and function (PolyPhen-2) suggests that this variant is likely to be disruptive. In summary, the available evidence is currently insufficient to determine the role of this variant in disease. Therefore, it has been classified as a Variant of Uncertain Significance.

Ambry Genetics
Classification: Uncertain significance for Cardiovascular phenotype. Last evaluated: 2025-08-12. Review status: criteria provided, single submitter. Criteria: Ambry Variant Classification Scheme 2023. Collection method: clinical testing. Allele origin: germline.
Comment: The p.R1679C variant (also known as c.5035C>T), located in coding exon 19 of the AKAP9 gene, results from a C to T substitution at nucleotide position 5035. The arginine at codon 1679 is replaced by cysteine, an amino acid with highly dissimilar properties. This amino acid position is well conserved in available vertebrate species. In addition, this alteration is predicted to be tolerated by in silico analysis. Since supporting evidence is limited at this time, the clinical significance of this alteration remains unclear.

Fulgent Genetics
Classification: Uncertain significance for Long QT syndrome 11. Last evaluated: 2021-07-26. Review status: criteria provided, single submitter. Criteria: ACMG Guidelines, 2015. Collection method: clinical testing. Allele origin: unknown.

MVZ Martinsried, Medicover Genetics
Classification: Uncertain significance for Long QT syndrome 11. Last evaluated: 2019-02-01. Review status: criteria provided, single submitter. Criteria: ACMG Guidelines, 2015. Collection method: clinical testing. Allele origin: unknown. Affected: yes.

Clinical Genetics, Academic Medical Center
Classification: Likely benign. Review status: no assertion criteria provided. Collection method: clinical testing. Allele origin: germline. Affected: yes. Study: VKGL Data-share Consensus. Not counted in ClinVar's aggregate classification.

Joint Genome Diagnostic Labs from Nijmegen and Maastricht, Radboudumc and MUMC+
Classification: Likely benign. Review status: no assertion criteria provided. Collection method: clinical testing. Allele origin: germline. Affected: yes. Study: VKGL Data-share Consensus. Not counted in ClinVar's aggregate classification.